The following is an entry in ClinVar:

NM_001370466.1(NOD2):c.2935G>C (p.Ala979Pro)

Genes: NOD2 (nucleotide binding oligomerization domain containing 2; plus strand), CYLD-AS1 (CYLD antisense RNA 1; minus strand). Cytogenetic location: 16q12.1.
Variant type: single nucleotide variant.
Coding change: c.2935G>C on transcript NM_001370466.1 (MANE Select); coding-DNA position 2935, G replaced by C.
Protein change: p.Ala979Pro; replaces alanine 979 with proline.
Molecular consequence: missense variant. On other transcripts: non-coding transcript variant (1).
Genome position (GRCh38, 1-based): chr16:50,729,867, G>C. VCF-style: chr16-50729867-G-C. GRCh37 (hg19) VCF-style: chr16-50763778-G-C.
Other names: c.2935G>C, p.Ala979Pro (NM_001293557.2); c.3016G>C, p.Ala1006Pro (NM_022162.3); short protein forms A979P, A1006P.
Identifiers: ClinVar variation 1367627 (VCV001367627.6), dbSNP rs199883290, ClinGen allele CA281283383.

ClinVar aggregate classification (germline): Uncertain significance (1 of 4 stars; one submission).

Conditions:
Regional enteritis. Also called: Enteritis, Granulomatous. Identifiers: MedGen C0678202, MeSH D003424.
Blau syndrome (BLAUS). Also called: GRANULOMATOSIS, FAMILIAL JUVENILE SYSTEMIC; GRANULOMATOSIS, FAMILIAL, BLAU TYPE; GRANULOMATOUS INFLAMMATORY ARTHRITIS, DERMATITIS, AND UVEITIS, FAMILIAL; JABS SYNDROME; ARTHROCUTANEOUVEAL GRANULOMATOSIS. Identifiers: Orphanet 90340, MedGen C5201146, MONDO:0008523, OMIM 186580.

Allele frequency attached by ClinVar (database versions not stated): gnomAD 0.00001; TOPMed 0.00001.
gnomAD v4.1: 2 of 1,613,110 alleles (0.00012%); highest among the groups gnomAD compares: African/African-American, 0.0027%; no homozygotes.

Submission:

Labcorp Genetics (formerly Invitae), Labcorp
Classification: Uncertain significance for Regional enteritis; Blau syndrome. Last evaluated: 2025-11-19. Review status: criteria provided, single submitter. Criteria: Invitae Variant Classification Sherloc (09022015). Collection method: clinical testing. Allele origin: germline.
Comment: This sequence change replaces alanine, which is neutral and non-polar, with proline, which is neutral and non-polar, at codon 1006 of the NOD2 protein (p.Ala1006Pro). This variant is not present in population databases (gnomAD no frequency). This variant has not been reported in the literature in individuals affected with NOD2-related conditions. ClinVar contains an entry for this variant (Variation ID: 1367627). Invitae Evidence Modeling of protein sequence and biophysical properties (such as structural, functional, and spatial information, amino acid conservation, physicochemical variation, residue mobility, and thermodynamic stability) has been performed for this missense variant. However, the output from this modeling did not meet the statistical confidence thresholds required to predict the impact of this variant on NOD2 protein function. In summary, the available evidence is currently insufficient to determine the role of this variant in disease. Therefore, it has been classified as a Variant of Uncertain Significance.